The following is an entry in ClinVar:

NM_007327.4(GRIN1):c.2333+9C>A

Gene: GRIN1 (glutamate ionotropic receptor NMDA type subunit 1; plus strand). Cytogenetic location: 9q34.3.
Variant type: single nucleotide variant.
Coding change: c.2333+9C>A on transcript NM_007327.4 (MANE Select); 9 bases into the intron after coding-DNA position 2333, C replaced by A.
Molecular consequence: intron variant.
Genome position (GRCh38, 1-based): chr9:137,163,339, C>A. VCF-style: chr9-137163339-C-A. GRCh37 (hg19) VCF-style: chr9-140057791-C-A.
Other names: c.2396+9C>A (NM_001185090.2, NM_001185091.2); c.2333+9C>A (NM_021569.4, NM_000832.7).
Identifiers: ClinVar variation 240833 (VCV000240833.11), dbSNP rs201316377, ClinGen allele CA5361101.

ClinVar aggregate classification (germline): Benign/Likely benign. Review status: criteria provided, multiple submitters, no conflicts (2 of 4 stars). 2 submissions from 2 submitters: Benign (1); Likely benign (1). Last evaluated 2025-12-22.

Conditions:
Neurodevelopmental disorder with or without hyperkinetic movements and seizures, autosomal dominant. Also called: Intellectual disability, autosomal dominant 8. Identifiers: MedGen C3280282, MONDO:0013655, OMIM 614254.

Allele frequency attached by ClinVar (database versions not stated): gnomAD exomes below 0.00001 and 0.00002; ExAC 0.00002; TOPMed 0.00004; gnomAD 0.00005 and 0.00006; ESP Exome Variant Server 0.00015.

Submissions (2):

Labcorp Genetics (formerly Invitae), Labcorp
Classification: Benign for Neurodevelopmental disorder with or without hyperkinetic movements and seizures, autosomal dominant. Last evaluated: 2025-12-22. Review status: criteria provided, single submitter. Criteria: Invitae Variant Classification Sherloc (09022015). Collection method: clinical testing. Allele origin: germline.

GeneDx
Classification: Likely benign. Last evaluated: 2018-02-12. Review status: criteria provided, single submitter. Criteria: GeneDx Variant Classification (06012015). Collection method: clinical testing. Allele origin: germline. Affected: yes.
Comment: This variant is considered likely benign or benign based on one or more of the following criteria: it is a conservative change, it occurs at a poorly conserved position in the protein, it is predicted to be benign by multiple in silico algorithms, and/or has population frequency not consistent with disease.